The following is an entry in ClinVar:

ClinVar aggregate classification (germline): Likely benign. Review status: criteria provided, multiple submitters, no conflicts (2 of 4 stars). 3 submissions from 3 submitters: Likely benign (2). 1 of the submissions does not count toward it. Last evaluated 2026-01-26.

Conditions:
RET-related disorder. Also called: RET-related condition; RET-related disease; RET-related disorders.
Hereditary cancer-predisposing syndrome. Also called: Neoplastic Syndromes, Hereditary; Hereditary Cancer Syndrome; Hereditary neoplastic syndrome; Tumor predisposition. Identifiers: Orphanet 140162, MedGen C0027672, MeSH D009386, MONDO:0015356.
Multiple endocrine neoplasia, type 2 (MEN2). Identifiers: Orphanet 653, MedGen C4048306, MONDO:0019003. Disease mechanism: gain of function.

Allele frequency attached by ClinVar (database versions not stated): gnomAD exomes 0.00001 and 0.00004; TOPMed 0.00002; ExAC 0.00003; gnomAD 0.00003.
gnomAD v4.1: 23 of 1,613,948 alleles (0.0014%); highest among the groups gnomAD compares: East Asian, 0.013%; no homozygotes.

Submissions (3):

Labcorp Genetics (formerly Invitae), Labcorp
Classification: Likely benign for Multiple endocrine neoplasia, type 2. Last evaluated: 2026-01-26. Review status: criteria provided, single submitter. Criteria: Invitae Variant Classification Sherloc (09022015). Collection method: clinical testing. Allele origin: germline.

Ambry Genetics
Classification: Likely benign for Hereditary cancer-predisposing syndrome. Last evaluated: 2019-03-01. Review status: criteria provided, single submitter. Criteria: Ambry Variant Classification Scheme 2023. Collection method: clinical testing. Allele origin: germline.

PreventionGenetics, part of Exact Sciences
Classification: Likely benign for RET-related condition. Last evaluated: 2019-07-18. Review status: no assertion criteria provided. Collection method: clinical testing. Allele origin: germline. Not counted in ClinVar's aggregate classification.
Comment: This variant is classified as likely benign based on ACMG/AMP sequence variant interpretation guidelines (Richards et al. 2015 PMID: 25741868, with internal and published modifications).

NM_020975.6(RET):c.3060G>A (p.Ala1020=)

Gene: RET (ret proto-oncogene; plus strand). Cytogenetic location: 10q11.21.
Variant type: single nucleotide variant.
Coding change: c.3060G>A on transcript NM_020975.6 (MANE Select); coding-DNA position 3060, G replaced by A.
Protein change: p.Ala1020=; no amino-acid change (alanine 1020 retained).
Molecular consequence: synonymous variant.
Genome position (GRCh38, 1-based): chr10:43,126,595, G>A. VCF-style: chr10-43126595-G-A. GRCh37 (hg19) VCF-style: chr10-43622043-G-A.
Other names: c.3060G>A, p.Ala1020= (NM_000323.2, NM_001406743.1, NM_001406744.1 and 4 more transcripts); c.2298G>A, p.Ala766= (NM_001355216.2); c.2931G>A, p.Ala977= (NM_001406761.1, NM_001406762.1, NM_001406764.1); c.2925G>A, p.Ala975= (NM_001406763.1, NM_001406765.1); c.2772G>A, p.Ala924= (NM_001406766.1, NM_001406767.1, NM_001406770.1); c.2796G>A, p.Ala932= (NM_001406768.1); c.2664G>A, p.Ala888= (NM_001406769.1, NM_001406772.1); c.2622G>A, p.Ala874= (NM_001406771.1, NM_001406773.1); and 10 more.
Identifiers: ClinVar variation 477364 (VCV000477364.18), dbSNP rs767152839, ClinGen allele CA042468.